The following is an entry in ClinVar:

NM_001267550.2(TTN):c.50248+2T>C

Genes: TTN (titin; minus strand), TTN-AS1 (TTN antisense RNA 1; plus strand). Cytogenetic location: 2q31.2.
Variant type: single nucleotide variant.
Coding change: c.50248+2T>C on transcript NM_001267550.2 (MANE Select); the canonical splice donor site of the intron after coding-DNA position 50248, T replaced by C.
Molecular consequence: splice donor variant.
Genome position (GRCh38, 1-based): chr2:178,612,275, A>G on the plus strand (T>C on the coding strand, the complement: TTN is on the minus strand). VCF-style: chr2-178612275-A-G. GRCh37 (hg19) VCF-style: chr2-179477002-A-G.
Other names: c.23053+2T>C (NM_003319.4); c.23629+2T>C (NM_133437.4); c.23428+2T>C (NM_133432.3); c.42544+2T>C (NM_133378.4); c.45325+2T>C (NM_001256850.1).
Identifiers: ClinVar variation 4827050 (VCV004827050.1).

ClinVar aggregate classification (germline): Uncertain significance (1 of 4 stars; one submission).

Conditions:
Cardiovascular phenotype. Identifiers: MedGen CN230736.

gnomAD v4.1: 1 of 1,611,964 alleles (0.000062%); highest among the groups gnomAD compares: South Asian, 0.0011%; no homozygotes.

Submission:

Ambry Genetics
Classification: Uncertain significance for Cardiovascular phenotype. Last evaluated: 2026-03-11. Review status: criteria provided, single submitter. Criteria: Ambry Variant Classification Scheme 2023. Collection method: clinical testing. Allele origin: germline.
Comment: The c.23053+2T>C intronic variant results from a T to C substitution two nucleotides after coding exon 93 in the TTN gene. This exon is located in the A-band region of the N2-B isoform of the titin protein and is constitutively expressed in TTN transcripts (percent spliced in or PSI 100%). This nucleotide position is highly conserved in available vertebrate species. In silico splice site analysis predicts that this alteration will weaken the native splice donor site. This variant disrupts the canonical splice site and is expected to cause aberrant splicing. However, although direct evidence is unavailable, this alteration is predicted to result in an in-frame transcript that is not expected to trigger nonsense-mediated mRNA decay. The exact functional effect of the predicted splice impact is unknown. Based on the available evidence, the clinical significance of this variant remains unclear.